The following is an entry in ClinVar:

ClinVar aggregate classification (germline): Uncertain significance. Review status: criteria provided, multiple submitters, no conflicts (2 of 4 stars). 2 submissions from 2 submitters: Uncertain significance (2). Last evaluated 2021-08-27.

gnomAD v4.1: 9 of 1,613,190 alleles (0.00056%); highest among the groups gnomAD compares: Middle Eastern, 0.05%; no homozygotes.

Submissions (2):

Labcorp Genetics (formerly Invitae), Labcorp
Classification: Uncertain significance. Last evaluated: 2021-08-27. Review status: criteria provided, single submitter. Criteria: Invitae Variant Classification Sherloc (09022015). Collection method: clinical testing. Allele origin: germline.
Comment: This sequence change replaces proline with arginine at codon 2478 of the HSPG2 protein (p.Pro2478Arg). The proline residue is moderately conserved and there is a moderate physicochemical difference between proline and arginine. This variant is not present in population databases (ExAC no frequency). This variant has not been reported in the literature in individuals affected with HSPG2-related conditions. Algorithms developed to predict the effect of missense changes on protein structure and function are either unavailable or do not agree on the potential impact of this missense change (SIFT: "Deleterious"; PolyPhen-2: "Probably Damaging"; Align-GVGD: "Class C0"). In summary, the available evidence is currently insufficient to determine the role of this variant in disease. Therefore, it has been classified as a Variant of Uncertain Significance.

Revvity Omics, Revvity
Classification: Uncertain significance. Last evaluated: 2019-06-28. Review status: criteria provided, single submitter. Criteria: ACMG Guidelines, 2015. Collection method: clinical testing. Allele origin: germline.

NM_005529.7(HSPG2):c.7433C>G (p.Pro2478Arg)

Gene: HSPG2 (heparan sulfate proteoglycan 2; minus strand). Cytogenetic location: 1p36.12.
Variant type: single nucleotide variant.
Coding change: c.7433C>G on transcript NM_005529.7 (MANE Select); coding-DNA position 7433, C replaced by G.
Protein change: p.Pro2478Arg; replaces proline 2478 with arginine.
Molecular consequence: missense variant.
Genome position (GRCh38, 1-based): chr1:21,850,054, G>C on the plus strand (C>G on the coding strand, the complement: HSPG2 is on the minus strand). VCF-style: chr1-21850054-G-C. GRCh37 (hg19) VCF-style: chr1-22176547-G-C.
Other names: c.7433C>G (NM_005529.5); c.7436C>G, p.Pro2479Arg (NM_001291860.2); short protein forms P2478R, P2479R.
Identifiers: ClinVar variation 1443816 (VCV001443816.7), dbSNP rs377464593, ClinGen allele CA338924729.